The following is an entry in ClinVar:

NM_001378328.1(CELSR1):c.7492T>C (p.Ser2498Pro)

Genes: CELSR1 (cadherin EGF LAG seven-pass G-type receptor 1; minus strand), LOC121627952 (CDK7 strongly-dependent group 2 enhancer GRCh37_chr22:46772879-46774078; plus strand). Cytogenetic location: 22q13.31.
Variant type: single nucleotide variant.
Coding change: c.7492T>C on transcript NM_001378328.1 (MANE Select); coding-DNA position 7492, T replaced by C.
Protein change: p.Ser2498Pro; replaces serine 2498 with proline.
Molecular consequence: missense variant.
Genome position (GRCh38, 1-based): chr22:46,377,153, A>G on the plus strand (T>C on the coding strand, the complement: CELSR1 is on the minus strand). VCF-style: chr22-46377153-A-G. GRCh37 (hg19) VCF-style: chr22-46773050-A-G.
Other names: c.7492T>C, p.Ser2498Pro (NM_014246.4); c.7492T>C (NM_014246.1); short protein forms S2498P.
Identifiers: ClinVar variation 2672160 (VCV002672160.2), dbSNP rs527727392, ClinGen allele CA10293345.

ClinVar aggregate classification (germline): Uncertain significance. Review status: criteria provided, multiple submitters, no conflicts (2 of 4 stars). 2 submissions from 2 submitters: Uncertain significance (2). Last evaluated 2023-12-16.

Conditions:
Lymphatic malformation 9. Identifiers: MedGen C5543365, MONDO:0030270, OMIM 619319.

Allele frequency attached by ClinVar (database versions not stated): ExAC 0.00001; gnomAD 0.00001; gnomAD exomes 0.00001; TOPMed 0.00001; 1000 Genomes Project 30x 0.00016; 1000 Genomes Project 0.00020.
gnomAD v4.1: 20 of 1,613,526 alleles (0.0012%); highest among the groups gnomAD compares: Admixed American, 0.0017%; no homozygotes.

Submissions (2):

Ambry Genetics
Classification: Uncertain significance. Last evaluated: 2023-12-16. Review status: criteria provided, single submitter. Criteria: Ambry Variant Classification Scheme 2023. Collection method: clinical testing. Allele origin: germline.

Clinical Genomics Laboratory, Washington University in St. Louis
Classification: Uncertain significance for Lymphatic malformation 9. Last evaluated: 2023-10-18. Review status: criteria provided, single submitter. Criteria: ACMG Guidelines, 2015. Collection method: clinical testing. Allele origin: germline.
Comment: The CELSR1 c.7492T>C (p.Ser2498Pro) variant was identified at near heterozygous allelic fraction of 49%, a frequency which may be consistent with it being of germline origin. To our knowledge, this variant has not been reported in the medical literature and is only observed on 2/151,886 alleles in the general population (gnomAD v.3.1.2), indicating it is not a common variant. Computational predictors are uncertain as to the impact of this variant on CELSR1 function. Due to limited information, and based on ACMG/AMP guidelines for variant interpretation (Richards S et al., PMID: 25741868), this variant is classified as being of uncertain significance at this time.